The following is an entry in ClinVar:

ClinVar aggregate classification (germline): Uncertain significance (1 of 4 stars; one submission).

Submission:

Labcorp Genetics (formerly Invitae), Labcorp
Classification: Uncertain significance. Last evaluated: 2022-03-17. Review status: criteria provided, single submitter. Criteria: Invitae Variant Classification Sherloc (09022015). Collection method: clinical testing. Allele origin: germline.
Comment: Algorithms developed to predict the effect of missense changes on protein structure and function are either unavailable or do not agree on the potential impact of this missense change (SIFT: "Not Available"; PolyPhen-2: "Benign"; Align-GVGD: "Not Available"). This sequence change replaces serine, which is neutral and polar, with asparagine, which is neutral and polar, at codon 19 of the DLX3 protein (p.Ser19Asn). This variant is present in population databases (no rsID available, gnomAD 0.1%). This variant has not been reported in the literature in individuals affected with DLX3-related conditions. In summary, the available evidence is currently insufficient to determine the role of this variant in disease. Therefore, it has been classified as a Variant of Uncertain Significance.

NM_005220.3(DLX3):c.55_56delinsAA (p.Ser19Asn)

Gene: DLX3 (distal-less homeobox 3; minus strand). Cytogenetic location: 17q21.33.
Variant type: Indel.
Coding change: c.55_56delinsAA on transcript NM_005220.3 (MANE Select); coding-DNA positions 55 to 56, TC replaced by AA.
Protein change: p.Ser19Asn; replaces serine 19 with asparagine.
Molecular consequence: missense variant.
Genome position (GRCh38, 1-based): chr17:49,994,943-49,994,944, GA replaced by TT on the plus strand (TC replaced by AA on the coding strand, the reverse complement: DLX3 is on the minus strand). VCF-style: chr17-49994943-GA-TT. GRCh37 (hg19) VCF-style: chr17-48072307-GA-TT.
Other names: short protein forms S19N.
Identifiers: ClinVar variation 2184425 (VCV002184425.4), dbSNP rs2544351377, ClinGen allele CA2580094268.
Genomic context (GRCh38, chr17:49,994,943, plus strand): 5'-TCAGTGACAGAAGACTCGGGCAGGGTAGGCGAGTCCTTGGAGCCCGCATGGCAGCTAAGG[GA>TT]GCTGGAGATGTCGGTGAGGATGCTGCTGAGCTTGCGATCGAAGGAGCCACTCATCCTGGC-3'
Protein context (NP_005211.1, residues 9-29): LSSILTDISS[Ser19Asn]LSCHAGSKDS